The following is an entry in ClinVar:

ClinVar aggregate classification (germline): Uncertain significance (1 of 4 stars; one submission).

Conditions:
Inborn genetic diseases. Identifiers: MedGen C0950123, MeSH D030342.

Submission:

Ambry Genetics
Classification: Uncertain significance for Inborn genetic diseases. Last evaluated: 2022-04-18. Review status: criteria provided, single submitter. Criteria: Ambry Variant Classification Scheme 2023. Collection method: clinical testing. Allele origin: germline.
Comment: The c.1330_1332delTCT variant (also known as p.S444del) is located in coding exon 11 of the YARS gene. This variant results from an in-frame TCT deletion at nucleotide positions 1330 to 1332. This results in the in-frame deletion of a serine at codon 444. This amino acid position is well conserved in available vertebrate species. In addition, this alteration is predicted to be deleterious by in silico analysis (Choi Y et al. PLoS ONE. 2012; 7(10):e46688). Since supporting evidence is limited at this time, the clinical significance of this alteration remains unclear.

NM_003680.4(YARS1):c.1330_1332del (p.Ser444del)

Gene: YARS1 (tyrosyl-tRNA synthetase 1; minus strand). Cytogenetic location: 1p35.1.
Variant type: Deletion.
Coding change: c.1330_1332del on transcript NM_003680.4 (MANE Select); coding-DNA positions 1330 to 1332, 3 bases deleted (TCT; older notation c.1330_1332delTCT).
Protein change: p.Ser444del; deletes serine 444.
Molecular consequence: inframe deletion. On other transcripts: inframe indel (1).
Genome position (GRCh38, 1-based): chr1:32,780,087-32,780,089, AGA deleted on the plus strand (TCT on the coding strand, the reverse complement: YARS1 is on the minus strand); deleting any 3 consecutive bases within chr1:32,780,087-32,780,091 gives the same sequence; the c. name uses the placement nearest the transcript's 3' end. VCF-style (leftmost placement, unchanged base first): chr1-32780086-TAGA-T. GRCh37 (hg19) VCF-style: chr1-33245687-TAGA-T.
Other names: c.1330_1332delTCT (NM_003680.3); short protein forms S444del.
Identifiers: ClinVar variation 1800082 (VCV001800082.2), dbSNP rs2523351126, ClinGen allele CA2580062687.